The following is an entry in ClinVar:

NM_001013838.3(CARMIL2):c.1223_1224insGAC (p.Pro408_Pro409insThr)

Gene: CARMIL2 (capping protein regulator and myosin 1 linker 2; plus strand). Cytogenetic location: 16q22.1.
Variant type: Insertion.
Coding change: c.1223_1224insGAC on transcript NM_001013838.3 (MANE Select); coding-DNA positions 1223 to 1224, GAC inserted.
Protein change: p.Pro408_Pro409insThr.
Molecular consequence: inframe insertion. On other transcripts: intron variant (1).
Genome position: GRCh38 VCF-style: chr16-67648202-C-CCGA. GRCh37 (hg19) VCF-style: chr16-67682105-C-CCGA.
Other names: c.1150-35_1150-34insGAC (NM_001317026.3).
Identifiers: ClinVar variation 2890447 (VCV002890447.3), dbSNP rs1567628945, ClinGen allele CA623120711.

ClinVar aggregate classification (germline): Uncertain significance (1 of 4 stars; one submission).

Submission:

Labcorp Genetics (formerly Invitae), Labcorp
Classification: Uncertain significance. Last evaluated: 2023-06-04. Review status: criteria provided, single submitter. Criteria: Invitae Variant Classification Sherloc (09022015). Collection method: clinical testing. Allele origin: germline.
Comment: In summary, the available evidence is currently insufficient to determine the role of this variant in disease. Therefore, it has been classified as a Variant of Uncertain Significance. This variant has not been reported in the literature in individuals affected with CARMIL2-related conditions. This variant is present in population databases (no rsID available, gnomAD 0.002%). This variant, c.1223_1224insGAC, results in the insertion of 1 amino acid(s) of the CARMIL2 protein (p.Pro408_Pro409insThr), but otherwise preserves the integrity of the reading frame.